The following is an entry in ClinVar:

NM_001042492.3(NF1):c.3643_3645delinsTT (p.Met1215fs)

Gene: NF1 (neurofibromin 1; plus strand). Cytogenetic location: 17q11.2.
Variant type: Indel.
Coding change: c.3643_3645delinsTT on transcript NM_001042492.3 (MANE Select); coding-DNA positions 3643 to 3645, ATG replaced by TT.
Protein change: p.Met1215fs; shifts the reading frame from methionine 1215.
Molecular consequence: frameshift variant.
Genome position (GRCh38, 1-based): chr17:31,233,148-31,233,150, ATG replaced by TT. VCF-style: chr17-31233148-ATG-TT. GRCh37 (hg19) VCF-style: chr17-29560166-ATG-TT.
Other names: c.3643_3645delinsTT, p.Met1215fs (NM_000267.4); short protein forms M1215fs.
Identifiers: ClinVar variation 5025605 (VCV005025605.1).

ClinVar aggregate classification (germline): Pathogenic (1 of 4 stars; one submission).

Conditions:
Cardiovascular phenotype. Identifiers: MedGen CN230736.
Hereditary cancer-predisposing syndrome. Also called: Neoplastic Syndromes, Hereditary; Tumor predisposition; Hereditary neoplastic syndrome; Hereditary Cancer Syndrome. Identifiers: Orphanet 140162, MedGen C0027672, MeSH D009386, MONDO:0015356.

Submission:

Ambry Genetics
Classification: Pathogenic for Cardiovascular phenotype; Hereditary cancer-predisposing syndrome. Last evaluated: 2026-07-31. Review status: criteria provided, single submitter. Criteria: Ambry Variant Classification Scheme 2023. Collection method: clinical testing. Allele origin: germline.
Comment: The c.3643_3645delATGinsTT pathogenic mutation, located in coding exon 27 of the NF1 gene, results from the deletion of 3 nucleotides and insertion of two nucleotides causing a translational frameshift with a predicted alternate stop codon (p.M1215Lfs*9). This variant is considered to be rare based on population cohorts in the Genome Aggregation Database (gnomAD). This alteration is expected to result in loss of function by premature protein truncation or nonsense-mediated mRNA decay. As such, this alteration is interpreted as a disease-causing mutation.